The following is an entry in ClinVar:

ClinVar aggregate classification (germline): Conflicting classifications of pathogenicity. Review status: criteria provided, conflicting classifications (1 of 4 stars). 2 submissions from 2 submitters: Likely pathogenic (1); Uncertain significance (1). Last evaluated 2025-01-15.

Conditions:
Retinoblastoma (RB1). Also called: RETINOBLASTOMA, SOMATIC. Identifiers: Orphanet 790, MedGen C0035335, MeSH D012175, MONDO:0008380, OMIM 180200, HP:0009919. Disease mechanism: loss of function. Inheritance: Both sporadic and heritable forms are tested..

Submissions (2):

Labcorp Genetics (formerly Invitae), Labcorp
Classification: Likely pathogenic for Retinoblastoma. Last evaluated: 2025-01-15. Review status: criteria provided, single submitter. Criteria: Invitae Variant Classification Sherloc (09022015). Collection method: clinical testing. Allele origin: germline.
Comment: This sequence change falls in intron 16 of the RB1 gene. It does not directly change the encoded amino acid sequence of the RB1 protein. It affects a nucleotide within the consensus splice site. This variant is not present in population databases (gnomAD no frequency). This variant has been observed in individual(s) with retinoblastoma (PMID: 19280657; internal data). ClinVar contains an entry for this variant (Variation ID: 2137498). Variants that disrupt the consensus splice site are a relatively common cause of aberrant splicing (PMID: 17576681, 9536098). Algorithms developed to predict the effect of sequence changes on RNA splicing suggest that this variant may disrupt the consensus splice site. This variant disrupts the c.1498+4A nucleotide in the RB1 gene. Other variant(s) that disrupt this nucleotide have been determined to be pathogenic (internal data). This suggests that this nucleotide is clinically significant, and that variants that disrupt this position are likely to be disease-causing. In summary, the currently available evidence indicates that the variant is pathogenic, but additional data are needed to prove that conclusively. Therefore, this variant has been classified as Likely Pathogenic.

Genetic Diagnostic Laboratory, University of Pennsylvania School of Medicine
Classification: Uncertain significance for Retinoblastoma. Last evaluated: 2024-05-20. Review status: criteria provided, single submitter. Criteria: ACMG Guidelines, 2015. Collection method: clinical testing. Allele origin: germline. Affected: yes. Observed: 1 variant allele.
Comment: Case and Pedigree Information: BILATERAL CASES:0, UNILATERAL CASES:1, TOTAL CASES:1, PEDIGREES:1. ACMG Codes Applied:PM2, PP3

Literature cited by the submitters: PubMed 19280657 (cited by Labcorp Genetics (formerly Invitae), Labcorp); PubMed 17576681 (cited by Labcorp Genetics (formerly Invitae), Labcorp); PubMed 9536098 (cited by Labcorp Genetics (formerly Invitae), Labcorp).

NM_000321.3(RB1):c.1498+4A>T

Gene: RB1 (RB transcriptional corepressor 1; plus strand). Cytogenetic location: 13q14.2.
Variant type: single nucleotide variant.
Coding change: c.1498+4A>T on transcript NM_000321.3 (MANE Select); 4 bases into the intron after coding-DNA position 1498, A replaced by T.
Molecular consequence: intron variant.
Genome position (GRCh38, 1-based): chr13:48,380,245, A>T. VCF-style: chr13-48380245-A-T. GRCh37 (hg19) VCF-style: chr13-48954381-A-T.
Identifiers: ClinVar variation 2137498 (VCV002137498.5), dbSNP rs2138143230, ClinGen allele CA2580087600.